The following is an entry in ClinVar:

ClinVar aggregate classification (germline): Uncertain significance (1 of 4 stars; one submission).

Conditions:
GRN-related frontotemporal lobar degeneration with Tdp43 inclusions (FTD2). Also called: DEMENTIA, HEREDITARY DYSPHASIC DISINHIBITION; FRONTOTEMPORAL LOBAR DEGENERATION WITH UBIQUITIN-POSITIVE INCLUSIONS; FTLD-TDP, GRN-RELATED; GRN Frontotemporal Dementia; FRONTOTEMPORAL DEMENTIA WITH TDP43 INCLUSIONS, GRN-RELATED. Identifiers: Orphanet 100070, Orphanet 282, MedGen C1843792, MONDO:0011842, OMIM 607485. Disease mechanism: loss of function.
Neuronal ceroid lipofuscinosis 11. Also called: GRN-Related Neuronal Ceroid-Lipofuscinosis. Identifiers: Orphanet 314629, Orphanet 79262, MedGen C3539123, MONDO:0013866, OMIM 614706.

Allele frequency attached by ClinVar (database versions not stated): gnomAD exomes below 0.00001 and 0.00001.

Submission:

Labcorp Genetics (formerly Invitae), Labcorp
Classification: Uncertain significance for Neuronal ceroid lipofuscinosis 11; GRN-related frontotemporal lobar degeneration with Tdp43 inclusions. Last evaluated: 2019-06-18. Review status: criteria provided, single submitter. Criteria: Invitae Variant Classification Sherloc (09022015). Collection method: clinical testing. Allele origin: germline.
Comment: This variant is not present in population databases (ExAC no frequency). This sequence change replaces arginine with glutamine at codon 214 of the GRN protein (p.Arg214Gln). The arginine residue is weakly conserved and there is a small physicochemical difference between arginine and glutamine. This variant has not been reported in the literature in individuals with GRN-related conditions. In summary, the available evidence is currently insufficient to determine the role of this variant in disease. Therefore, it has been classified as a Variant of Uncertain Significance. Algorithms developed to predict the effect of sequence changes on RNA splicing suggest that this variant may create or strengthen a splice site, but this prediction has not been confirmed by published transcriptional studies. Algorithms developed to predict the effect of missense changes on protein structure and function output the following: SIFT: "Tolerated"; PolyPhen-2: "Benign"; Align-GVGD: "Class C0". The glutamine amino acid residue is found in multiple mammalian species, suggesting that this missense change does not adversely affect protein function. These predictions have not been confirmed by published functional studies and their clinical significance is uncertain.

NM_002087.4(GRN):c.641G>A (p.Arg214Gln)

Gene: GRN (granulin precursor; plus strand). Cytogenetic location: 17q21.31.
Variant type: single nucleotide variant.
Coding change: c.641G>A on transcript NM_002087.4 (MANE Select); coding-DNA position 641, G replaced by A.
Protein change: p.Arg214Gln; replaces arginine 214 with glutamine.
Molecular consequence: missense variant.
Genome position (GRCh38, 1-based): chr17:44,350,733, G>A. VCF-style: chr17-44350733-G-A. GRCh37 (hg19) VCF-style: chr17-42428101-G-A.
Other names: short protein forms R214Q.
Identifiers: ClinVar variation 944816 (VCV000944816.9), dbSNP rs1211576020, ClinGen allele CA399764238.